The following is an entry in ClinVar:

NM_006648.4(WNK2):c.439G>A (p.Ala147Thr)

Gene: WNK2 (WNK lysine deficient protein kinase 2; plus strand). Cytogenetic location: 9q22.31.
Variant type: single nucleotide variant.
Coding change: c.439G>A on transcript NM_006648.4 (MANE Select); coding-DNA position 439, G replaced by A.
Protein change: p.Ala147Thr; replaces alanine 147 with threonine.
Molecular consequence: missense variant.
Genome position (GRCh38, 1-based): chr9:93,185,368, G>A. VCF-style: chr9-93185368-G-A. GRCh37 (hg19) VCF-style: chr9-95947650-G-A.
Other names: c.439G>A, p.Ala147Thr (NM_001282394.3); short protein forms A147T.
Identifiers: ClinVar variation 3816522 (VCV003816522.1).
Genomic context (GRCh38, chr9:93,185,368, plus strand): 5'-GACCCCATCGCAGCCGCTGTCGAAACCGCGCCTGCCCCCGACGGCGGCCCCAGGGAGGAG[G>A]CGGCGGCGACCGTGAGGAAGGAGGATGAGGGGGCGGCCGAGGCGAAGCCTGAGCCCGGGC-3'
Protein context (NP_006639.3, residues 137-157): PAPDGGPREE[Ala147Thr]AATVRKEDEG

ClinVar aggregate classification (germline): Uncertain significance (1 of 4 stars; one submission).

gnomAD v4.1: 13 of 1,574,428 alleles (0.00083%); highest among the groups gnomAD compares: Non-Finnish European, 0.00095%; no homozygotes.

Submission:

Ambry Genetics
Classification: Uncertain significance. Last evaluated: 2024-12-17. Review status: criteria provided, single submitter. Criteria: Ambry Variant Classification Scheme 2023. Collection method: clinical testing. Allele origin: germline.
Comment: The p.A147T variant (also known as c.439G>A), located in coding exon 1 of the WNK2 gene, results from a G to A substitution at nucleotide position 439. The alanine at codon 147 is replaced by threonine, an amino acid with similar properties. This amino acid position is conserved. In addition, this alteration is predicted to be tolerated by in silico analysis. Based on the available evidence, the clinical significance of this variant remains unclear.